The following is an entry in ClinVar:

ClinVar aggregate classification (germline): Likely benign (1 of 4 stars; one submission).

gnomAD v4.1: 4 of 1,570,248 alleles (0.00025%); highest among the groups gnomAD compares: Middle Eastern, 0.033%; no homozygotes.

Submission:

CeGaT Center for Human Genetics Tuebingen
Classification: Likely benign. Last evaluated: 2026-07-01. Review status: criteria provided, single submitter. Criteria: CeGaT Center For Human Genetics Tuebingen Variant Classification Criteria Version 2. Collection method: clinical testing. Allele origin: germline. Affected: yes. Observed: 1 variant allele.
Comment: PKHD1L1: BP4

NM_177531.6(PKHD1L1):c.2321C>A (p.Thr774Asn)

Gene: PKHD1L1 (PKHD1 like 1; plus strand). Cytogenetic location: 8q23.1.
Variant type: single nucleotide variant.
Coding change: c.2321C>A on transcript NM_177531.6 (MANE Select); coding-DNA position 2321, C replaced by A.
Protein change: p.Thr774Asn; replaces threonine 774 with asparagine.
Molecular consequence: missense variant.
Genome position (GRCh38, 1-based): chr8:109,413,506, C>A. VCF-style: chr8-109413506-C-A. GRCh37 (hg19) VCF-style: chr8-110425735-C-A.
Other names: short protein forms T774N.
Identifiers: ClinVar variation 5038813 (VCV005038813.1).